The following is an entry in ClinVar:

ClinVar aggregate classification (germline): Uncertain significance. Review status: criteria provided, multiple submitters, no conflicts (2 of 4 stars). 2 submissions from 2 submitters: Uncertain significance (2). Last evaluated 2022-08-16.

Allele frequency attached by ClinVar (database versions not stated): gnomAD exomes below 0.00001.
gnomAD v4.1: 4 of 1,613,656 alleles (0.00025%); highest among the groups gnomAD compares: Non-Finnish European, 0.00034%; no homozygotes.

Submissions (2):

Labcorp Genetics (formerly Invitae), Labcorp
Classification: Uncertain significance. Last evaluated: 2022-08-16. Review status: criteria provided, single submitter. Criteria: Invitae Variant Classification Sherloc (09022015). Collection method: clinical testing. Allele origin: germline.
Comment: This sequence change replaces histidine, which is basic and polar, with tyrosine, which is neutral and polar, at codon 142 of the ABCA4 protein (p.His142Tyr). This variant is present in population databases (no rsID available, gnomAD 0.0009%). This variant has not been reported in the literature in individuals affected with ABCA4-related conditions. ClinVar contains an entry for this variant (Variation ID: 426865). Advanced modeling of protein sequence and biophysical properties (such as structural, functional, and spatial information, amino acid conservation, physicochemical variation, residue mobility, and thermodynamic stability) performed at Invitae indicates that this missense variant is not expected to disrupt ABCA4 protein function. In summary, the available evidence is currently insufficient to determine the role of this variant in disease. Therefore, it has been classified as a Variant of Uncertain Significance.

GeneDx
Classification: Uncertain significance. Last evaluated: 2017-03-30. Review status: criteria provided, single submitter. Criteria: GeneDx Variant Classification (06012015). Collection method: clinical testing. Allele origin: germline. Affected: yes.
Comment: The H142Y variant in the ABCA4 gene has not been reported previously as a pathogenic variant, nor as a benign variant, to our knowledge. The H142Y variant is not observed in large population cohorts (Lek et al., 2016; 1000 Genomes Consortium et al., 2015; Exome Variant Server). The H142Y variant is a non-conservative amino acid substitution, which is likely to impact secondary protein structure as these residues differ in polarity, charge, size and/or other properties. This substitution occurs at a position that is not conserved. In silico analysis predicts this variant likely does not alter the protein structure/function. We interpret H142Y as a variant of uncertain significance.

NM_000350.3(ABCA4):c.424C>T (p.His142Tyr)

Gene: ABCA4 (ATP binding cassette subfamily A member 4; minus strand). Cytogenetic location: 1p22.1.
Variant type: single nucleotide variant.
Coding change: c.424C>T on transcript NM_000350.3 (MANE Select); coding-DNA position 424, C replaced by T.
Protein change: p.His142Tyr; replaces histidine 142 with tyrosine.
Molecular consequence: missense variant.
Genome position (GRCh38, 1-based): chr1:94,108,595, G>A on the plus strand (C>T on the coding strand, the complement: ABCA4 is on the minus strand). VCF-style: chr1-94108595-G-A. GRCh37 (hg19) VCF-style: chr1-94574151-G-A.
Other names: c.424C>T, p.His142Tyr (NM_001425324.1); short protein forms H142Y.
Identifiers: ClinVar variation 426865 (VCV000426865.5), dbSNP rs1085307835, ClinGen allele CA341292987.
Genomic context (GRCh38, chr1:94,108,595, plus strand): 5'-GGTGAGGGAAATGATGCTTGAGAGCACTGCAGTCATGCTTACCTGCAATTCTCTCCGGGT[G>A]AGTCCGGAGGGTGTCCATGAATTGGGACAAGATGTGTAGCTCTGTCCAAATACGGCCAAG-3'
Protein context (NP_000341.2, residues 132-152): LSQFMDTLRT[His142Tyr]PERIAGRGIR